The following is an entry in ClinVar:

NM_012330.4(KAT6B):c.5807C>T (p.Ala1936Val)

Gene: KAT6B (lysine acetyltransferase 6B; plus strand). Cytogenetic location: 10q22.2.
Variant type: single nucleotide variant.
Coding change: c.5807C>T on transcript NM_012330.4 (MANE Select); coding-DNA position 5807, C replaced by T.
Protein change: p.Ala1936Val; replaces alanine 1936 with valine.
Molecular consequence: missense variant.
Genome position (GRCh38, 1-based): chr10:75,030,631, C>T. VCF-style: chr10-75030631-C-T. GRCh37 (hg19) VCF-style: chr10-76790389-C-T.
Other names: c.5258C>T, p.Ala1753Val (NM_001256468.2, NM_001370138.1); c.4931C>T, p.Ala1644Val (NM_001256469.2, NM_001370139.1, NM_001370140.1 and 2 more transcripts); c.4769C>T, p.Ala1590Val (NM_001370132.1); c.4118C>T, p.Ala1373Val (NM_001370133.1); c.3722C>T, p.Ala1241Val (NM_001370134.1); c.3464C>T, p.Ala1155Val (NM_001370135.1); c.5807C>T, p.Ala1936Val (NM_001370136.1, NM_001370137.1); c.4742C>T, p.Ala1581Val (NM_001370143.1, NM_001370144.1); short protein forms A1155V, A1241V, A1373V, A1581V, A1590V, A1644V, A1753V, A1936V.
Identifiers: ClinVar variation 1331278 (VCV001331278.3), dbSNP rs2134253347, ClinGen allele CA377302206.

ClinVar aggregate classification (germline): Uncertain significance. Review status: criteria provided, single submitter (1 of 4 stars). 2 submissions from 2 submitters: Uncertain significance (1). 1 of the submissions does not count toward it. Last evaluated 2021-06-26.

Conditions:
KAT6B-related disorder. Also called: KAT6B-related disorders; KAT6B-related condition.

Submissions (2):

GeneDx
Classification: Uncertain significance. Last evaluated: 2021-06-26. Review status: criteria provided, single submitter. Criteria: GeneDx Variant Classification Process June 2021. Collection method: clinical testing. Allele origin: germline. Affected: yes.
Comment: Not observed at significant frequency in large population cohorts (Lek et al., 2016); In silico analysis supports that this missense variant does not alter protein structure/function; Has not been previously published as pathogenic or benign to our knowledge; This variant is associated with the following publications: (PMID: 27535533)

PreventionGenetics, part of Exact Sciences
Classification: Uncertain significance for KAT6B-related condition. Last evaluated: 2024-09-06. Review status: no assertion criteria provided. Collection method: clinical testing. Allele origin: germline. Not counted in ClinVar's aggregate classification.
Comment: The KAT6B c.5807C>T variant is predicted to result in the amino acid substitution p.Ala1936Val. To our knowledge, this variant has not been reported in the literature or in a large population database, indicating this variant is rare. At this time, the clinical significance of this variant is uncertain due to the absence of conclusive functional and genetic evidence.